The following is an entry in ClinVar:

NM_000038.6(APC):c.2498G>A (p.Ser833Asn)

Gene: APC (APC regulator of Wnt signaling pathway; plus strand). Cytogenetic location: 5q22.2.
Variant type: single nucleotide variant.
Coding change: c.2498G>A on transcript NM_000038.6 (MANE Select); coding-DNA position 2498, G replaced by A.
Protein change: p.Ser833Asn; replaces serine 833 with asparagine.
Molecular consequence: missense variant.
Genome position (GRCh38, 1-based): chr5:112,838,092, G>A. VCF-style: chr5-112838092-G-A. GRCh37 (hg19) VCF-style: chr5-112173789-G-A.
Other names: c.2498G>A, p.Ser833Asn (NM_001127510.3, NM_001354895.2); c.2444G>A, p.Ser815Asn (NM_001127511.3); c.2552G>A, p.Ser851Asn (NM_001354896.2); c.2528G>A, p.Ser843Asn (NM_001354897.2); c.2423G>A, p.Ser808Asn (NM_001354898.2); c.2414G>A, p.Ser805Asn (NM_001354899.2); c.2375G>A, p.Ser792Asn (NM_001354900.2); c.2321G>A, p.Ser774Asn (NM_001354901.2); and 5 more; short protein forms S805N, S774N, S851N, S673N, S707N, S732N, S843N, S550N.
Identifiers: ClinVar variation 958424 (VCV000958424.11), dbSNP rs1218113894, ClinGen allele CA16026811.

ClinVar aggregate classification (germline): Uncertain significance (1 of 4 stars; one submission).

Conditions:
Familial adenomatous polyposis 1 (FAP1). Also called: POLYPOSIS, ADENOMATOUS INTESTINAL; FAMILIAL ADENOMATOUS POLYPOSIS 1, ATTENUATED. Identifiers: MedGen C2713442, MONDO:0021056, OMIM 175100. Disease mechanism: loss of function.

Submission:

Labcorp Genetics (formerly Invitae), Labcorp
Classification: Uncertain significance for Familial adenomatous polyposis 1. Last evaluated: 2025-10-10. Review status: criteria provided, single submitter. Criteria: Invitae Variant Classification Sherloc (09022015). Collection method: clinical testing. Allele origin: germline.
Comment: This sequence change replaces serine, which is neutral and polar, with asparagine, which is neutral and polar, at codon 833 of the APC protein (p.Ser833Asn). This variant is not present in population databases (gnomAD no frequency). This variant has not been reported in the literature in individuals affected with APC-related conditions. ClinVar contains an entry for this variant (Variation ID: 958424). Invitae Evidence Modeling of protein sequence and biophysical properties (such as structural, functional, and spatial information, amino acid conservation, physicochemical variation, residue mobility, and thermodynamic stability) indicates that this missense variant is not expected to disrupt APC protein function with a negative predictive value of 95%. In summary, the available evidence is currently insufficient to determine the role of this variant in disease. Therefore, it has been classified as a Variant of Uncertain Significance.